The following is an entry in ClinVar:

ClinVar aggregate classification (germline): Uncertain significance (1 of 4 stars; one submission).

Allele frequency attached by ClinVar (database versions not stated): ExAC 0.00001; gnomAD exomes 0.00001 and 0.00002; gnomAD 0.00003; TOPMed 0.00004.
gnomAD v4.1: 13 of 1,544,322 alleles (0.00084%); highest among the groups gnomAD compares: African/African-American, 0.0028%; no homozygotes.

Submission:

GeneDx
Classification: Uncertain significance. Last evaluated: 2020-07-06. Review status: criteria provided, single submitter. Criteria: GeneDx Variant Classification Process June 2021. Collection method: clinical testing. Allele origin: germline. Affected: yes.
Comment: Has not been previously published as pathogenic or benign to our knowledge; In-silico analysis, which includes splice predictors and evolutionary conservation, is inconclusive as to whether the variant alters gene splicing. In the absence of RNA/functional studies, the actual effect of this sequence change is unknown.

NM_016008.4(DYNC2LI1):c.655-7T>C

Gene: DYNC2LI1 (dynein cytoplasmic 2 light intermediate chain 1; plus strand). Cytogenetic location: 2p21.
Variant type: single nucleotide variant.
Coding change: c.655-7T>C on transcript NM_016008.4 (MANE Select); 7 bases into the intron before coding-DNA position 655, T replaced by C.
Molecular consequence: intron variant.
Genome position (GRCh38, 1-based): chr2:43,800,834, T>C. VCF-style: chr2-43800834-T-C. GRCh37 (hg19) VCF-style: chr2-44027973-T-C.
Other names: c.658-7T>C (NM_001348913.2, NM_001193464.2); c.655-7T>C (NM_001348912.2).
Identifiers: ClinVar variation 1312964 (VCV001312964.2), dbSNP rs760026126, ClinGen allele CA1635959.